The following is an entry in ClinVar:

NM_003238.6(TGFB2):c.79C>A (p.Leu27Ile)

Gene: TGFB2 (transforming growth factor beta 2; plus strand). Cytogenetic location: 1q41.
Variant type: single nucleotide variant.
Coding change: c.79C>A on transcript NM_003238.6 (MANE Select); coding-DNA position 79, C replaced by A.
Protein change: p.Leu27Ile; replaces leucine 27 with isoleucine.
Molecular consequence: missense variant. On other transcripts: non-coding transcript variant (2).
Genome position (GRCh38, 1-based): chr1:218,346,780, C>A. VCF-style: chr1-218346780-C-A. GRCh37 (hg19) VCF-style: chr1-218520122-C-A.
Other names: c.79C>A, p.Leu27Ile (NM_001135599.4); short protein forms L27I.
Identifiers: ClinVar variation 2177553 (VCV002177553.4), dbSNP rs1209272897, ClinGen allele CA344725230.

ClinVar aggregate classification (germline): Uncertain significance (1 of 4 stars; one submission).

Conditions:
Loeys-Dietz syndrome 4 (LDS4). Also called: TGFB2-Related Loeys-Dietz Syndrome; ANEURYSM, AORTIC AND CEREBRAL, WITH ARTERIAL TORTUOSITY AND SKELETAL MANIFESTATIONS. Identifiers: MedGen C3553762, MONDO:0013897, OMIM 614816.

Submission:

Labcorp Genetics (formerly Invitae), Labcorp
Classification: Uncertain significance for Loeys-Dietz syndrome 4. Last evaluated: 2022-07-20. Review status: criteria provided, single submitter. Criteria: Invitae Variant Classification Sherloc (09022015). Collection method: clinical testing. Allele origin: germline.
Comment: This variant has not been reported in the literature in individuals affected with TGFB2-related conditions. This variant is not present in population databases (gnomAD no frequency). This sequence change replaces leucine, which is neutral and non-polar, with isoleucine, which is neutral and non-polar, at codon 27 of the TGFB2 protein (p.Leu27Ile). In summary, the available evidence is currently insufficient to determine the role of this variant in disease. Therefore, it has been classified as a Variant of Uncertain Significance. Advanced modeling of protein sequence and biophysical properties (such as structural, functional, and spatial information, amino acid conservation, physicochemical variation, residue mobility, and thermodynamic stability) performed at Invitae indicates that this missense variant is not expected to disrupt TGFB2 protein function.